The following is an entry in ClinVar:

NM_000179.3(MSH6):c.3248A>G (p.Glu1083Gly)

Gene: MSH6 (mutS homolog 6; plus strand). Cytogenetic location: 2p16.3.
Variant type: single nucleotide variant.
Coding change: c.3248A>G on transcript NM_000179.3 (MANE Select); coding-DNA position 3248, A replaced by G.
Protein change: p.Glu1083Gly; replaces glutamic acid 1083 with glycine.
Molecular consequence: missense variant.
Genome position (GRCh38, 1-based): chr2:47,803,495, A>G. VCF-style: chr2-47803495-A-G. GRCh37 (hg19) VCF-style: chr2-48030634-A-G.
Other names: c.2858A>G, p.Glu953Gly (NM_001281492.2); c.2342A>G, p.Glu781Gly (NM_001281493.2, NM_001281494.2); short protein forms E1083G, E781G, E953G.
Identifiers: ClinVar variation 422886 (VCV000422886.17), dbSNP rs1064796068, ClinGen allele CA16617693.

ClinVar aggregate classification (germline): Uncertain significance. Review status: criteria provided, multiple submitters, no conflicts (2 of 4 stars). 5 submissions from 5 submitters: Uncertain significance (5). Last evaluated 2025-12-29.

Conditions:
Hereditary cancer-predisposing syndrome. Also called: Hereditary neoplastic syndrome; Neoplastic Syndromes, Hereditary; Tumor predisposition; Hereditary Cancer Syndrome. Identifiers: Orphanet 140162, MedGen C0027672, MeSH D009386, MONDO:0015356.
Hereditary nonpolyposis colorectal neoplasms. Identifiers: MedGen C0009405, MeSH D003123.

Submissions (5):

Center for Genomic Medicine, Rigshospitalet, Copenhagen University Hospital
Classification: Uncertain significance. Last evaluated: 2025-12-29. Review status: criteria provided, single submitter. Criteria: ACMG Guidelines, 2015. Collection method: clinical testing. Allele origin: germline.

Color Diagnostics, LLC DBA Color Health
Classification: Uncertain significance for Hereditary cancer-predisposing syndrome. Last evaluated: 2024-03-06. Review status: criteria provided, single submitter. Criteria: ACMG Guidelines, 2015. Collection method: clinical testing. Allele origin: germline.
Comment: This missense variant replaces glutamic acid with glycine at codon 1083 of the MSH6 protein. Computational prediction tool suggests that this variant may not impact protein structure and function (internally defined REVEL score threshold <=0.5, PMID: 27666373). Splice site prediction tools suggest that this variant may not impact RNA splicing. To our knowledge, functional studies have not been performed for this variant. This variant has not been reported in individuals affected with hereditary cancer in the literature. This variant has not been identified in the general population by the Genome Aggregation Database (gnomAD). The available evidence is insufficient to determine the role of this variant in disease conclusively. Therefore, this variant is classified as a Variant of Uncertain Significance.

Labcorp Genetics (formerly Invitae), Labcorp
Classification: Uncertain significance for Hereditary nonpolyposis colorectal neoplasms. Last evaluated: 2023-02-01. Review status: criteria provided, single submitter. Criteria: Invitae Variant Classification Sherloc (09022015). Collection method: clinical testing. Allele origin: germline.
Comment: In summary, the available evidence is currently insufficient to determine the role of this variant in disease. Therefore, it has been classified as a Variant of Uncertain Significance. This sequence change replaces glutamic acid, which is acidic and polar, with glycine, which is neutral and non-polar, at codon 1083 of the MSH6 protein (p.Glu1083Gly). This variant is not present in population databases (gnomAD no frequency). This variant has not been reported in the literature in individuals affected with MSH6-related conditions. ClinVar contains an entry for this variant (Variation ID: 422886). Advanced modeling of protein sequence and biophysical properties (such as structural, functional, and spatial information, amino acid conservation, physicochemical variation, residue mobility, and thermodynamic stability) performed at Invitae indicates that this missense variant is not expected to disrupt MSH6 protein function.

Ambry Genetics
Classification: Uncertain significance for Hereditary cancer-predisposing syndrome. Last evaluated: 2019-12-27. Review status: criteria provided, single submitter. Criteria: Ambry Variant Classification Scheme 2023. Collection method: clinical testing. Allele origin: germline.
Comment: The p.E1083G variant (also known as c.3248A>G), located in coding exon 5 of the MSH6 gene, results from an A to G substitution at nucleotide position 3248. The glutamic acid at codon 1083 is replaced by glycine, an amino acid with similar properties. This amino acid position is not well conserved in available vertebrate species. In addition, this alteration is predicted to be tolerated by in silico analysis. Since supporting evidence is limited at this time, the clinical significance of this alteration remains unclear.

GeneDx
Classification: Uncertain significance. Last evaluated: 2016-12-13. Review status: criteria provided, single submitter. Criteria: GeneDx Variant Classification (06012015). Collection method: clinical testing. Allele origin: germline. Affected: yes.
Comment: This variant is denoted MSH6 c.3248A>G at the cDNA level, p.Glu1083Gly (E1083G) at the protein level, and results in the change of a Glutamic Acid to a Glycine (GAA>GGA). This variant has not, to our knowledge, been published in the literature as pathogenic or benign. MSH6 Glu1083Gly was not observed in approximately 6,500 individuals of European and African American ancestry in the NHLBI Exome Sequencing Project, suggesting it is not a common benign variant in these populations. Since Glutamic Acid and Glycine differ in polarity, charge, size or other properties, this is considered a non-conservative amino acid substitution. MSH6 Glu1083Gly occurs at a position that is not conserved and is located in domain V of the MutS domain (Terui 2013). In silico analyses are inconsistent regarding the effect this variant may have on protein structure and function. Based on currently available evidence, it is unclear whether MSH6 Glu1083Gly is a pathogenic or benign variant. We consider it to be a variant of uncertain significance.